The following is an entry in ClinVar:

NM_000222.3(KIT):c.2454del (p.Asn819fs)

Gene: KIT (KIT proto-oncogene, receptor tyrosine kinase; plus strand). Cytogenetic location: 4q12.
Variant type: Deletion.
Coding change: c.2454del on transcript NM_000222.3 (MANE Select); coding-DNA position 2454, one base deleted (G; older notation c.2454delG).
Protein change: p.Asn819fs; shifts the reading frame from asparagine 819.
Molecular consequence: frameshift variant.
Genome position (GRCh38, 1-based): chr4:54,733,162, G deleted. VCF-style (leftmost placement, unchanged base first): chr4-54733161-AG-A. GRCh37 (hg19) VCF-style: chr4-55599327-AG-A.
Other names: c.2454del (NM_000222.2); c.2454delG (NM_000222.2); c.2442del, p.Asn815fs (NM_001093772.2, NM_001385292.1); c.2457del, p.Asn820fs (NM_001385284.1); c.2451del, p.Asn818fs (NM_001385285.1); c.2439del, p.Asn814fs (NM_001385286.1); c.2445del, p.Asn816fs (NM_001385288.1); c.2454del, p.Asn819fs (NM_001385290.1); short protein forms N815fs, N819fs, N814fs, N816fs, N818fs, N820fs.
Identifiers: ClinVar variation 409664 (VCV000409664.10), dbSNP rs1060502521, ClinGen allele CA16611520.

ClinVar aggregate classification (germline): Pathogenic. Review status: criteria provided, multiple submitters, no conflicts (2 of 4 stars). 4 submissions from 4 submitters: Pathogenic (3). 1 of the submissions does not count toward it. Last evaluated 2026-01-05.

Conditions:
KIT-related disorder. Also called: KIT-related condition.
Gastrointestinal stromal tumor. Also called: Gastrointestinal stroma tumor; Gastrointestinal stromal tumor, somatic. Identifiers: Orphanet 44890, MedGen C0238198, MeSH D046152, MONDO:0011719, OMIM 606764, HP:0100723.

Submissions (4):

GeneDx
Classification: Pathogenic. Last evaluated: 2026-01-05. Review status: criteria provided, single submitter. Criteria: GeneDx Variant Classification Process June 2021. Collection method: clinical testing. Allele origin: germline.
Comment: Frameshift variant predicted to result in protein truncation or nonsense mediated decay in a gene for which loss of function is a known mechanism of disease; Not observed at significant frequency in large population cohorts (gnomAD); Has not been previously published as pathogenic or benign to our knowledge

Labcorp Genetics (formerly Invitae), Labcorp
Classification: Pathogenic for Gastrointestinal stromal tumor. Last evaluated: 2023-08-30. Review status: criteria provided, single submitter. Criteria: Invitae Variant Classification Sherloc (09022015). Collection method: clinical testing. Allele origin: germline.
Comment: For these reasons, this variant has been classified as Pathogenic. ClinVar contains an entry for this variant (Variation ID: 409664). This variant has not been reported in the literature in individuals affected with KIT-related conditions. This variant is not present in population databases (gnomAD no frequency). This sequence change creates a premature translational stop signal (p.Asn819Metfs*15) in the KIT gene. It is expected to result in an absent or disrupted protein product. Loss-of-function variants in KIT are known to be pathogenic (PMID: 15194144).

Blueprint Genetics
Classification: Pathogenic for KIT-related disorders. Last evaluated: 2021-04-12. Review status: criteria provided, single submitter. Criteria: ACMG Guidelines, 2015. Collection method: clinical testing. Allele origin: germline. Affected: yes. Observed: 2 variant alleles.

PreventionGenetics, part of Exact Sciences
Classification: Likely pathogenic for KIT-related condition. Last evaluated: 2024-08-20. Review status: no assertion criteria provided. Collection method: clinical testing. Allele origin: germline. Not counted in ClinVar's aggregate classification.
Comment: The KIT c.2454delG variant is predicted to result in a frameshift and premature protein termination (p.Asn819Metfs*15). To our knowledge, this variant has not been reported in the literature or in a large population database. Frameshift variants in KIT are expected to be pathogenic. This variant is interpreted as likely pathogenic.

Literature cited by the submitters: PubMed 15194144 (cited by Labcorp Genetics (formerly Invitae), Labcorp).